The following is an entry in ClinVar:

ClinVar aggregate classification (germline): Likely benign (0 of 4 stars; one submission).

Conditions:
CNTN6-related disorder. Also called: CNTN6-related condition.

Allele frequency attached by ClinVar (database versions not stated): 1000 Genomes Project 30x 0.00031; 1000 Genomes Project 0.00040; ESP Exome Variant Server 0.00062.
gnomAD v4.1: 103 of 1,614,058 alleles (0.0064%); highest among the groups gnomAD compares: African/African-American, 0.13%; no homozygotes.

Submission:

PreventionGenetics, part of Exact Sciences
Classification: Likely benign for CNTN6-related condition. Last evaluated: 2022-12-28. Review status: no assertion criteria provided. Collection method: clinical testing. Allele origin: germline.
Comment: This variant is classified as likely benign based on ACMG/AMP sequence variant interpretation guidelines (Richards et al. 2015 PMID: 25741868, with internal and published modifications).

NM_001289080.2(CNTN6):c.2457G>T (p.Met819Ile)

Gene: CNTN6 (contactin 6; plus strand). Cytogenetic location: 3p26.3.
Variant type: single nucleotide variant.
Coding change: c.2457G>T on transcript NM_001289080.2 (MANE Select); coding-DNA position 2457, G replaced by T.
Protein change: p.Met819Ile; replaces methionine 819 with isoleucine.
Molecular consequence: missense variant.
Genome position (GRCh38, 1-based): chr3:1,383,348, G>T. VCF-style: chr3-1383348-G-T. GRCh37 (hg19) VCF-style: chr3-1425032-G-T.
Other names: c.2241G>T, p.Met747Ile (NM_001289081.2); c.2457G>T, p.Met819Ile (NM_001349350.2, NM_001349351.2, NM_001349352.2 and 4 more transcripts); c.2349G>T, p.Met783Ile (NM_001349356.2); c.2145G>T, p.Met715Ile (NM_001349357.2); c.1902G>T, p.Met634Ile (NM_001349358.2); c.1335G>T, p.Met445Ile (NM_001349359.2, NM_001349360.2, NM_001349361.2 and 1 more transcripts); short protein forms M445I, M634I, M715I, M747I, M783I, M819I.
Identifiers: ClinVar variation 3054257 (VCV003054257.2), dbSNP rs184122073, ClinGen allele CA2226586.
Genomic context (GRCh38, chr3:1,383,348, plus strand): 5'-GGTAGAACCTCAACTGGCCCCAAGGGGAACTTCTCTCCAGAGTTTTTCTGCTTCTGAAAT[G>T]GAGGTTTCATGGAATGCTATTGCCTGGAATAGAAACACTGGAAGAGTGCTGGGCTATGAG-3'
Protein context (NP_001276009.1, residues 809-829): TSLQSFSASE[Met819Ile]EVSWNAIAWN